The following is an entry in ClinVar:

ClinVar aggregate classification (germline): Uncertain significance (1 of 4 stars; one submission).

Submission:

GeneDx
Classification: Uncertain significance. Last evaluated: 2025-01-13. Review status: criteria provided, single submitter. Criteria: GeneDx Variant Classification Process June 2021. Collection method: clinical testing. Allele origin: germline. Affected: yes.
Comment: Not observed at significant frequency in large population cohorts (gnomAD); In silico analysis indicates that this missense variant does not alter protein structure/function; Has not been previously published as pathogenic or benign to our knowledge

NM_182961.4(SYNE1):c.11702G>A (p.Ser3901Asn)

Gene: SYNE1 (spectrin repeat containing nuclear envelope protein 1; minus strand). Cytogenetic location: 6q25.2.
Variant type: single nucleotide variant.
Coding change: c.11702G>A on transcript NM_182961.4 (MANE Select); coding-DNA position 11702, G replaced by A.
Protein change: p.Ser3901Asn; replaces serine 3901 with asparagine.
Molecular consequence: missense variant.
Genome position (GRCh38, 1-based): chr6:152,350,649, C>T on the plus strand (G>A on the coding strand, the complement: SYNE1 is on the minus strand). VCF-style: chr6-152350649-C-T. GRCh37 (hg19) VCF-style: chr6-152671784-C-T.
Other names: c.11657G>A, p.Ser3886Asn (NM_033071.5); short protein forms S3886N, S3901N.
Identifiers: ClinVar variation 4057037 (VCV004057037.1).